The following is an entry in ClinVar:

NM_017780.4(CHD7):c.2309AGG[1] (p.Glu771del)

Gene: CHD7 (chromodomain helicase DNA binding protein 7; plus strand). Cytogenetic location: 8q12.2.
Variant type: Microsatellite.
Coding change: c.2309AGG[1] on transcript NM_017780.4 (MANE Select); one copy of the 3-base unit AGG starting at c.2309; the reference has two copies in a row; one copy, 3 bases deleted; also written c.2312_2314del.
Protein change: p.Glu771del; deletes glutamic acid 771.
Molecular consequence: inframe deletion. On other transcripts: intron variant (1).
Genome position (GRCh38, 1-based): chr8:60,800,461-60,800,463, AGG deleted; deleting any 3 consecutive bases within chr8:60,800,457-60,800,463 gives the same sequence; the position shown is the placement nearest the transcript's 3' end. VCF-style (leftmost placement, unchanged base first): chr8-60800456-TGAG-T. GRCh37 (hg19) VCF-style: chr8-61713015-TGAG-T.
Other names: c.1716+19411_1716+19413del (NM_001316690.1); c.2312_2314del (NM_017780.2); short protein forms E771del.
Identifiers: ClinVar variation 970641 (VCV000970641.12), dbSNP rs761153051, ClinGen allele CA4759675.

ClinVar aggregate classification (germline): Uncertain significance. Review status: criteria provided, multiple submitters, no conflicts (2 of 4 stars). 2 submissions from 2 submitters: Uncertain significance (2). Last evaluated 2025-10-27.

Conditions:
CHARGE syndrome (CHARGE). Also called: Hittner Hirsch Kreh syndrome; Coloboma, heart anomaly, choanal atresia, retardation, genital and ear anomalies; CHARGE association; Hall-Hittner syndrome; CHARGE ASSOCIATION--COLOBOMA, HEART ANOMALY, CHOANAL ATRESIA, RETARDATION, GENITAL AND EAR ANOMALIES. Identifiers: Orphanet 138, MedGen C0265354, MONDO:0008965.

Submissions (2):

Labcorp Genetics (formerly Invitae), Labcorp
Classification: Uncertain significance for CHARGE syndrome. Last evaluated: 2025-10-27. Review status: criteria provided, single submitter. Criteria: Invitae Variant Classification Sherloc (09022015). Collection method: clinical testing. Allele origin: germline.
Comment: This variant, c.2312_2314del, results in the deletion of 1 amino acid(s) of the CHD7 protein (p.Glu771del), but otherwise preserves the integrity of the reading frame. This variant is present in population databases (rs761153051, gnomAD 0.009%). This variant has not been reported in the literature in individuals affected with CHD7-related conditions. ClinVar contains an entry for this variant (Variation ID: 970641). Experimental studies and prediction algorithms are not available or were not evaluated, and the functional significance of this variant is currently unknown. In summary, the available evidence is currently insufficient to determine the role of this variant in disease. Therefore, it has been classified as a Variant of Uncertain Significance.

GeneDx
Classification: Uncertain significance. Last evaluated: 2022-07-28. Review status: criteria provided, single submitter. Criteria: GeneDx Variant Classification Process June 2021. Collection method: clinical testing. Allele origin: germline. Affected: yes.
Comment: In-frame deletion of one amino acid in a non-repeat region; In silico analysis supports a deleterious effect on protein structure/function; Has not been previously published as pathogenic or benign to our knowledge